The following is an entry in ClinVar:

ClinVar aggregate classification (germline): Uncertain significance (1 of 4 stars; one submission).

Conditions:
Intellectual developmental disorder, autosomal dominant 1. Also called: Intellectual disability, autosomal dominant 1; MBD5 Haploinsufficiency. Identifiers: Orphanet 228402, MedGen C1969562, MONDO:0007974, OMIM 156200.

gnomAD v4.1: 2 of 1,614,050 alleles (0.00012%); highest among the groups gnomAD compares: Non-Finnish European, 0.000085%; no homozygotes.

Submission:

Labcorp Genetics (formerly Invitae), Labcorp
Classification: Uncertain significance for Intellectual developmental disorder, autosomal dominant 1. Last evaluated: 2025-07-28. Review status: criteria provided, single submitter. Criteria: Invitae Variant Classification Sherloc (09022015). Collection method: clinical testing. Allele origin: germline.
Comment: This sequence change replaces arginine, which is basic and polar, with threonine, which is neutral and polar, at codon 1031 of the MBD5 protein (p.Arg1031Thr). This variant is not present in population databases (gnomAD no frequency). This variant has not been reported in the literature in individuals affected with MBD5-related conditions. ClinVar contains an entry for this variant (Variation ID: 1719020). Invitae Evidence Modeling of protein sequence and biophysical properties (such as structural, functional, and spatial information, amino acid conservation, physicochemical variation, residue mobility, and thermodynamic stability) indicates that this missense variant is not expected to disrupt MBD5 protein function with a negative predictive value of 80%. In summary, the available evidence is currently insufficient to determine the role of this variant in disease. Therefore, it has been classified as a Variant of Uncertain Significance.

NM_001378120.1(MBD5):c.3791G>C (p.Arg1264Thr)

Gene: MBD5 (methyl-CpG binding domain protein 5; plus strand). Cytogenetic location: 2q23.1.
Variant type: single nucleotide variant.
Coding change: c.3791G>C on transcript NM_001378120.1 (MANE Select); coding-DNA position 3791, G replaced by C.
Protein change: p.Arg1264Thr; replaces arginine 1264 with threonine.
Molecular consequence: missense variant.
Genome position (GRCh38, 1-based): chr2:148,489,423, G>C. VCF-style: chr2-148489423-G-C. GRCh37 (hg19) VCF-style: chr2-149246992-G-C.
Other names: c.3092G>C, p.Arg1031Thr (NM_018328.5); short protein forms R1031T, R1264T.
Identifiers: ClinVar variation 1719020 (VCV001719020.6), dbSNP rs1553520435, ClinGen allele CA348724980.